The following is an entry in ClinVar:

NM_000540.3(RYR1):c.9554+8G>A

Gene: RYR1 (ryanodine receptor 1; plus strand). Cytogenetic location: 19q13.2.
Variant type: single nucleotide variant.
Coding change: c.9554+8G>A on transcript NM_000540.3 (MANE Select); 8 bases into the intron after coding-DNA position 9554, G replaced by A.
Molecular consequence: intron variant.
Genome position (GRCh38, 1-based): chr19:38,515,115, G>A. VCF-style: chr19-38515115-G-A. GRCh37 (hg19) VCF-style: chr19-39005755-G-A.
Other names: c.9554+8G>A (NM_001042723.2).
Identifiers: ClinVar variation 390319 (VCV000390319.5), dbSNP rs375627885, ClinGen allele CA073792.

ClinVar aggregate classification (germline): Likely benign. Review status: criteria provided, multiple submitters, no conflicts (2 of 4 stars). 2 submissions from 2 submitters: Likely benign (2). Last evaluated 2023-10-05.

Conditions:
RYR1-related disorder. Also called: RYR1-related disorders; RYR1-related condition. Identifiers: MedGen CN239331.

Allele frequency attached by ClinVar (database versions not stated): gnomAD exomes below 0.00001 and 0.00004; ExAC 0.00006; gnomAD 0.00006 and 0.00007; ESP Exome Variant Server 0.00008; TOPMed 0.00010.
gnomAD v4.1: 17 of 1,598,284 alleles (0.0011%); highest among the groups gnomAD compares: African/African-American, 0.023%; no homozygotes.

Submissions (2):

Labcorp Genetics (formerly Invitae), Labcorp
Classification: Likely benign for RYR1-related disorder. Last evaluated: 2023-10-05. Review status: criteria provided, single submitter. Criteria: Invitae Variant Classification Sherloc (09022015). Collection method: clinical testing. Allele origin: germline.

GeneDx
Classification: Likely benign. Last evaluated: 2016-11-04. Review status: criteria provided, single submitter. Criteria: GeneDx Variant Classification (06012015). Collection method: clinical testing. Allele origin: germline. Affected: yes.
Comment: This variant is considered likely benign or benign based on one or more of the following criteria: it is a conservative change, it occurs at a poorly conserved position in the protein, it is predicted to be benign by multiple in silico algorithms, and/or has population frequency not consistent with disease.